The following is an entry in ClinVar:

NM_000051.4(ATM):c.4311A>G (p.Arg1437=)

Gene: ATM (ATM serine/threonine kinase; plus strand). Cytogenetic location: 11q22.3.
Variant type: single nucleotide variant.
Coding change: c.4311A>G on transcript NM_000051.4 (MANE Select); coding-DNA position 4311, A replaced by G.
Protein change: p.Arg1437=; no amino-acid change (arginine 1437 retained).
Molecular consequence: synonymous variant.
Genome position (GRCh38, 1-based): chr11:108,289,676, A>G. VCF-style: chr11-108289676-A-G. GRCh37 (hg19) VCF-style: chr11-108160403-A-G.
Other names: c.4311A>G, p.Arg1437= (NM_001351834.2).
Identifiers: ClinVar variation 1560373 (VCV001560373.9), dbSNP rs1555097507, ClinGen allele CA476673898.

ClinVar aggregate classification (germline): Benign/Likely benign. Review status: criteria provided, multiple submitters, no conflicts (2 of 4 stars). 2 submissions from 2 submitters: Benign (1); Likely benign (1). Last evaluated 2024-05-17.

Conditions:
Ataxia-telangiectasia syndrome (AT). Also called: Cerebello-oculocutaneous telangiectasia; Immunodeficiency with ataxia telangiectasia; LOUIS-BAR SYNDROME; Ataxia-telangiectasia, complementation group D; AT, COMPLEMENTATION GROUP C; Ataxia-telangiectasia. Identifiers: Orphanet 100, MedGen C0004135, MONDO:0008840, OMIM 208900.
Familial cancer of breast. Also called: hereditary breast carcinoma; BREAST CANCER, FAMILIAL; Hereditary breast cancer. Identifiers: Orphanet 227535, MedGen C0346153, MONDO:0016419, OMIM 114480. Disease mechanism: loss of function.

Submissions (2):

Myriad Genetics, Inc.
Classification: Benign for Familial cancer of breast. Last evaluated: 2024-05-17. Review status: criteria provided, single submitter. Criteria: Myriad Autosomal Dominant, Autosomal Recessive and X-Linked Classification Criteria (2023). Collection method: clinical testing. Allele origin: unknown.
Comment: This variant is considered benign. This variant is a silent/synonymous amino acid change and it is not expected to impact splicing.

Labcorp Genetics (formerly Invitae), Labcorp
Classification: Likely benign for Ataxia-telangiectasia syndrome. Last evaluated: 2022-07-07. Review status: criteria provided, single submitter. Criteria: Invitae Variant Classification Sherloc (09022015). Collection method: clinical testing. Allele origin: germline.